The following is an entry in ClinVar:

ClinVar aggregate classification (germline): Uncertain significance (1 of 4 stars; one submission).

Conditions:
Dyskeratosis congenita, autosomal recessive 6 (DKCB6). Identifiers: MedGen C4225356, MONDO:0014600, OMIM 616353.
Pulmonary fibrosis and/or bone marrow failure, Telomere-related, 4. Also called: PULMONARY FIBROSIS AND/OR BONE MARROW FAILURE SYNDROME, TELOMERE-RELATED, 4. Identifiers: Orphanet 2032, MedGen C4225347, MONDO:0014612, OMIM 616371.

Allele frequency attached by ClinVar (database versions not stated): gnomAD exomes 0.00001.
gnomAD v4.1: 8 of 1,582,090 alleles (0.00051%); highest among the groups gnomAD compares: Non-Finnish European, 0.00069%; no homozygotes.

Submission:

Labcorp Genetics (formerly Invitae), Labcorp
Classification: Uncertain significance for Dyskeratosis congenita, autosomal recessive 6; Pulmonary fibrosis and/or bone marrow failure, Telomere-related, 4. Last evaluated: 2023-05-05. Review status: criteria provided, single submitter. Criteria: Invitae Variant Classification Sherloc (09022015). Collection method: clinical testing. Allele origin: germline.
Comment: Advanced modeling of protein sequence and biophysical properties (such as structural, functional, and spatial information, amino acid conservation, physicochemical variation, residue mobility, and thermodynamic stability) performed at Invitae indicates that this missense variant is not expected to disrupt PARN protein function. This variant has not been reported in the literature in individuals affected with PARN-related conditions. This variant is present in population databases (rs767707550, gnomAD 0.007%). This sequence change replaces leucine, which is neutral and non-polar, with valine, which is neutral and non-polar, at codon 264 of the PARN protein (p.Leu264Val). In summary, the available evidence is currently insufficient to determine the role of this variant in disease. Therefore, it has been classified as a Variant of Uncertain Significance.

NM_002582.4(PARN):c.790C>G (p.Leu264Val)

Gene: PARN (poly(A)-specific ribonuclease; minus strand). Cytogenetic location: 16p13.12.
Variant type: single nucleotide variant.
Coding change: c.790C>G on transcript NM_002582.4 (MANE Select); coding-DNA position 790, C replaced by G.
Protein change: p.Leu264Val; replaces leucine 264 with valine.
Molecular consequence: missense variant.
Genome position (GRCh38, 1-based): chr16:14,599,954, G>C on the plus strand (C>G on the coding strand, the complement: PARN is on the minus strand). VCF-style: chr16-14599954-G-C. GRCh37 (hg19) VCF-style: chr16-14693811-G-C.
Other names: c.607C>G, p.Leu203Val (NM_001134477.3); c.652C>G, p.Leu218Val (NM_001242992.2); short protein forms L203V, L218V, L264V.
Identifiers: ClinVar variation 2931211 (VCV002931211.3), dbSNP rs767707550, ClinGen allele CA278525344.